The following is an entry in ClinVar:

NM_014625.4(NPHS2):c.1064A>G (p.Asn355Ser)

Genes: AXDND1 (axonemal dynein light chain domain containing 1; plus strand), NPHS2 (NPHS2 stomatin family member, podocin; minus strand). Cytogenetic location: 1q25.2.
Variant type: single nucleotide variant.
Coding change: c.1064A>G on transcript NM_014625.4 (MANE Select); coding-DNA position 1064, A replaced by G.
Protein change: p.Asn355Ser; replaces asparagine 355 with serine.
Molecular consequence: missense variant. On other transcripts: intron variant (1).
Genome position (GRCh38, 1-based): chr1:179,551,261, T>C on the plus strand (A>G on the coding strand, the complement: NPHS2 is on the minus strand). VCF-style: chr1-179551261-T-C. GRCh37 (hg19) VCF-style: chr1-179520396-T-C.
Other names: c.860A>G, p.Asn287Ser (NM_001297575.2); c.3032-3251T>C (NM_144696.6); short protein forms N355S, N287S.
Identifiers: ClinVar variation 586184 (VCV000586184.4), dbSNP rs1040479346, ClinGen allele CA33692622.

ClinVar aggregate classification (germline): Uncertain significance. Review status: criteria provided, multiple submitters, no conflicts (2 of 4 stars). 5 submissions from 5 submitters: Uncertain significance (4). 1 of the submissions does not count toward it. Last evaluated 2024-04-26.

Conditions:
Nephrotic syndrome, type 2 (NPHS2). Also called: NEPHROTIC SYNDROME, STEROID-RESISTANT, AUTOSOMAL RECESSIVE. Identifiers: Orphanet 656, MedGen C1868672, MONDO:0010974, OMIM 600995.
Steroid-resistant nephrotic syndrome. Identifiers: MedGen C0403397, MONDO:0044765, HP:0012588.

Allele frequency attached by ClinVar (database versions not stated): gnomAD 0.00001; TOPMed 0.00002; gnomAD exomes below 0.00001.
gnomAD v4.1: 8 of 1,613,950 alleles (0.0005%); highest among the groups gnomAD compares: East Asian, 0.0022%; no homozygotes.

Submissions (5):

Fulgent Genetics
Classification: Uncertain significance for Nephrotic syndrome, type 2. Last evaluated: 2024-04-26. Review status: criteria provided, single submitter. Criteria: ACMG Guidelines, 2015. Collection method: clinical testing. Allele origin: germline.

Genome-Nilou Lab
Classification: Uncertain significance for Nephrotic syndrome, type 2. Last evaluated: 2023-04-11. Review status: criteria provided, single submitter. Criteria: ACMG Guidelines, 2015. Collection method: clinical testing. Allele origin: germline. Affected: no.

Victorian Clinical Genetics Services, Murdoch Childrens Research Institute
Classification: Uncertain significance for Nephrotic syndrome, type 2. Last evaluated: 2021-05-06. Review status: criteria provided, single submitter. Criteria: ACMG Guidelines, 2015. Collection method: clinical testing. Allele origin: germline. Inheritance: Autosomal recessive inheritance.
Comment: Based on the classification scheme VCGS_Germline_v1.3.4, this variant is classified as VUS-3C. Following criteria are met: 0102 - Loss of function is a known mechanism of disease in this gene and is associated with nephrotic syndrome, type 2 (MIM#600995). (I) 0106 - This gene is associated with autosomal recessive disease. (I) 0115 - Variants in this gene are known to have variable expressivity. Intra-familial variability and severity has been reported (OMIM). (I) 0200 - Variant is predicted to result in a missense amino acid change from asparagine to serine. (I) 0251 - This variant is heterozygous. (I) 0304 - Variant is present in gnomAD <0.01 for a recessive condition (v3:1 heterozygote, 0 homozygote). (SP) 0309 - An alternative amino acid change at the same position has been observed in gnomAD (v2) (p.N355H: 1 heterozygote, 0 homozygote). (I) 0504 - Same amino acid change has been observed in placental mammals. (SB) 0604 - Variant is not located in an established domain, motif, hotspot or informative constraint region. (I) 0705 - No comparable missense variants have previous evidence for pathogenicity. (I) 0809 - Previous evidence of pathogenicity for this variant is inconclusive. This individual was also compound heterozygous for the NPHS2 p.(Ser46=) variant and three other variants in PLCE1, ARHGAP24 and COL4A5 respectively; all of which have been classified as VUSs (PMID: 28780565). (I) 0905 - No published segregation evidence has been identified for this variant. (I) 1007 - No published functional evidence has been identified for this variant. (I) 1208 - Inheritance information for this variant is not currently available in this individual. (I) Legend: (SP) - Supporting pathogenic, (I) - Information, (SB) - Supporting benign

Athena Diagnostics
Classification: Uncertain significance. Last evaluated: 2017-11-20. Review status: criteria provided, single submitter. Criteria: Athena Diagnostics Criteria. Collection method: clinical testing. Allele origin: germline.

Natera, Inc.
Classification: Uncertain significance for Steroid-resistant nephrotic syndrome. Last evaluated: 2020-03-10. Review status: no assertion criteria provided. Collection method: clinical testing. Allele origin: germline. Not counted in ClinVar's aggregate classification.

Literature cited by the submitters: PubMed 28780565 (cited by Victorian Clinical Genetics Services, Murdoch Childrens Research Institute).